The following is an entry in ClinVar:

ClinVar aggregate classification (germline): Uncertain significance (1 of 4 stars; one submission).

Submission:

GeneDx
Classification: Uncertain significance. Last evaluated: 2024-03-28. Review status: criteria provided, single submitter. Criteria: GeneDx Variant Classification Process June 2021. Collection method: clinical testing. Allele origin: germline. Affected: yes.
Comment: Not observed at significant frequency in large population cohorts (gnomAD); In silico analysis supports that this missense variant does not alter protein structure/function; Has not been previously published as pathogenic or benign to our knowledge

NM_000399.5(EGR2):c.140C>T (p.Pro47Leu)

Gene: EGR2 (early growth response 2; minus strand). Cytogenetic location: 10q21.3.
Variant type: single nucleotide variant.
Coding change: c.140C>T on transcript NM_000399.5 (MANE Select); coding-DNA position 140, C replaced by T.
Protein change: p.Pro47Leu; replaces proline 47 with leucine.
Molecular consequence: missense variant. On other transcripts: 5 prime UTR variant (2).
Genome position (GRCh38, 1-based): chr10:62,815,890, G>A on the plus strand (C>T on the coding strand, the complement: EGR2 is on the minus strand). VCF-style: chr10-62815890-G-A. GRCh37 (hg19) VCF-style: chr10-64575650-G-A.
Other names: c.140C>T, p.Pro47Leu (NM_001136177.3, NM_001136178.2); c.-11C>T (NM_001136179.3, NM_001321037.2); c.179C>T, p.Pro60Leu (NM_001410931.1); short protein forms P47L, P60L.
Identifiers: ClinVar variation 3371804 (VCV003371804.1).